The following is an entry in ClinVar:

ClinVar aggregate classification (germline): Benign/Likely benign. Review status: criteria provided, multiple submitters, no conflicts (2 of 4 stars). 2 submissions from 2 submitters: Benign (1); Likely benign (1). Last evaluated 2018-10-21.

Conditions:
Rhizomelic chondrodysplasia punctata type 2 (RCDP2). Also called: DIHYDROXYACETONEPHOSPHATE ACYLTRANSFERASE DEFICIENCY; glyceronephosphate O-acyltransferase (GNPAT) deficiency; Glyceronephosphate O-acyltransferase deficiency; DHAPAT DEFICIENCY; PEROXISOMAL DIHYDROXYACETONEPHOSPHATE ACYLTRANSFERASE DEFICIENCY; Chondrodysplasia punctata, rhizomelic, due to dihydroxyacetonephosphate acyltransferase deficiency. Identifiers: Orphanet 177, Orphanet 309796, MedGen C1857242, MONDO:0100273, OMIM 222765. Disease mechanism: loss of function.

Allele frequency attached by ClinVar (database versions not stated): TOPMed 0.00801; gnomAD 0.00739; 1000 Genomes Project 30x 0.00874; 1000 Genomes Project 0.00819.

Submissions (2):

GeneDx
Classification: Likely benign. Last evaluated: 2018-10-21. Review status: criteria provided, single submitter. Criteria: GeneDx Variant Classification Process June 2021. Collection method: clinical testing. Allele origin: germline. Affected: yes.

Illumina Laboratory Services, Illumina
Classification: Benign for Rhizomelic chondrodysplasia punctata type 2. Last evaluated: 2018-01-12. Review status: criteria provided, single submitter. Criteria: ICSL Variant Classification Criteria 13 December 2019. Collection method: clinical testing. Allele origin: germline.
Comment: This variant was observed in the ICSL laboratory as part of a predisposition screen in an ostensibly healthy population. It had not been previously curated by ICSL or reported in the Human Gene Mutation Database (HGMD: prior to June 1st, 2018), and was therefore a candidate for classification through an automated scoring system. Utilizing variant allele frequency, disease prevalence and penetrance estimates, and inheritance mode, an automated score was calculated to assess if this variant is too frequent to cause the disease. Based on the score and internal cut-off values, a variant classified as benign is not then subjected to further curation. The score for this variant resulted in a classification of benign for this disease.

NM_014236.4(GNPAT):c.-145G>A

Genes: GNPAT (glyceronephosphate O-acyltransferase; plus strand), LOC129932767 (ATAC-STARR-seq lymphoblastoid active region 2725; plus strand). Cytogenetic location: 1q42.2.
Variant type: single nucleotide variant.
Coding change: c.-145G>A on transcript NM_014236.4 (MANE Select); 145 bases upstream of the start codon, G replaced by A.
Molecular consequence: 5 prime UTR variant.
Genome position (GRCh38, 1-based): chr1:231,241,234, G>A. VCF-style: chr1-231241234-G-A. GRCh37 (hg19) VCF-style: chr1-231376980-G-A.
Other names: c.-145G>A (NM_001316350.2).
Identifiers: ClinVar variation 296103 (VCV000296103.8), dbSNP rs113752547, ClinGen allele CA10610328.
Genomic context (GRCh38, chr1:231,241,234, plus strand): 5'-GCGACTGCGCGCATGCGCTGCAGGGCCCTGCGCGGCTTCCGTCCTGGCTGAGATGGCGGC[G>A]CCCGGGATCCTGTGTAGCGGCTGCAGAGGGTGCCGCCGCCCTAGGCGAAGTAGGGCCGTC-3'